The following is an entry in ClinVar:

NM_020921.4(NIN):c.401G>A (p.Arg134Gln)

Gene: NIN (ninein; minus strand). Cytogenetic location: 14q22.1.
Variant type: single nucleotide variant.
Coding change: c.401G>A on transcript NM_020921.4 (MANE Select); coding-DNA position 401, G replaced by A.
Protein change: p.Arg134Gln; replaces arginine 134 with glutamine.
Molecular consequence: missense variant.
Genome position (GRCh38, 1-based): chr14:50,792,746, C>T on the plus strand (G>A on the coding strand, the complement: NIN is on the minus strand). VCF-style: chr14-50792746-C-T. GRCh37 (hg19) VCF-style: chr14-51259464-C-T.
Other names: c.401G>A, p.Arg134Gln (NM_016350.5, NM_182944.3, NM_182946.2); c.401G>A (NM_020921.3); short protein forms R134Q.
Identifiers: ClinVar variation 3708937 (VCV003708937.3).

ClinVar aggregate classification (germline): Uncertain significance. Review status: criteria provided, multiple submitters, no conflicts (2 of 4 stars). 2 submissions from 2 submitters: Uncertain significance (2). Last evaluated 2025-04-30.

gnomAD v4.1: 32 of 1,613,998 alleles (0.002%); highest among the groups gnomAD compares: East Asian, 0.018%; no homozygotes.

Submissions (2):

Ambry Genetics
Classification: Uncertain significance. Last evaluated: 2025-04-30. Review status: criteria provided, single submitter. Criteria: Ambry Variant Classification Scheme 2023. Collection method: clinical testing. Allele origin: germline.

Labcorp Genetics (formerly Invitae), Labcorp
Classification: Uncertain significance. Last evaluated: 2024-12-04. Review status: criteria provided, single submitter. Criteria: Invitae Variant Classification Sherloc (09022015). Collection method: clinical testing. Allele origin: germline.
Comment: This sequence change replaces arginine, which is basic and polar, with glutamine, which is neutral and polar, at codon 134 of the NIN protein (p.Arg134Gln). This variant is present in population databases (rs777169854, gnomAD 0.02%). This variant has not been reported in the literature in individuals affected with NIN-related conditions. An algorithm developed to predict the effect of missense changes on protein structure and function outputs the following: PolyPhen-2: "Benign". The glutamine amino acid residue is found in multiple mammalian species, which suggests that this missense change does not adversely affect protein function. In summary, the available evidence is currently insufficient to determine the role of this variant in disease. Therefore, it has been classified as a Variant of Uncertain Significance.